The following is an entry in ClinVar:

ClinVar aggregate classification (germline): Uncertain significance (1 of 4 stars; one submission).

Allele frequency attached by ClinVar (database versions not stated): gnomAD exomes below 0.00001.
gnomAD v4.1: 1 of 1,612,512 alleles (0.000062%); highest among the groups gnomAD compares: Non-Finnish European, 0.000085%; no homozygotes.

Submission:

Ambry Genetics
Classification: Uncertain significance. Last evaluated: 2023-02-27. Review status: criteria provided, single submitter. Criteria: Ambry Variant Classification Scheme 2023. Collection method: clinical testing. Allele origin: germline.
Comment: The p.R179K variant (also known as c.536G>A), located in coding exon 4 of the POLQ gene, results from a G to A substitution at nucleotide position 536. The arginine at codon 179 is replaced by lysine, an amino acid with highly similar properties. This amino acid position is conserved. In addition, this alteration is predicted to be tolerated by in silico analysis. Since supporting evidence is limited at this time, the clinical significance of this alteration remains unclear.

NM_199420.4(POLQ):c.536G>A (p.Arg179Lys)

Gene: POLQ (DNA polymerase theta; minus strand). Cytogenetic location: 3q13.33.
Variant type: single nucleotide variant.
Coding change: c.536G>A on transcript NM_199420.4 (MANE Select); coding-DNA position 536, G replaced by A.
Protein change: p.Arg179Lys; replaces arginine 179 with lysine.
Molecular consequence: missense variant.
Genome position (GRCh38, 1-based): chr3:121,539,528, C>T on the plus strand (G>A on the coding strand, the complement: POLQ is on the minus strand). VCF-style: chr3-121539528-C-T. GRCh37 (hg19) VCF-style: chr3-121258375-C-T.
Other names: short protein forms R179K.
Identifiers: ClinVar variation 2449244 (VCV002449244.2), dbSNP rs2048475068, ClinGen allele CA354091202.